The following is an entry in ClinVar:

NM_000834.5(GRIN2B):c.3170G>A (p.Arg1057His)

Gene: GRIN2B (glutamate ionotropic receptor NMDA type subunit 2B; minus strand). Cytogenetic location: 12p13.1.
Variant type: single nucleotide variant.
Coding change: c.3170G>A on transcript NM_000834.5 (MANE Select); coding-DNA position 3170, G replaced by A.
Protein change: p.Arg1057His; replaces arginine 1057 with histidine.
Molecular consequence: missense variant.
Genome position (GRCh38, 1-based): chr12:13,564,068, C>T on the plus strand (G>A on the coding strand, the complement: GRIN2B is on the minus strand). VCF-style: chr12-13564068-C-T. GRCh37 (hg19) VCF-style: chr12-13717002-C-T.
Other names: short protein forms R1057H.
Identifiers: ClinVar variation 450289 (VCV000450289.7), dbSNP rs773737239, ClinGen allele CA6460933.
Genomic context (GRCh38, chr12:13,564,068, plus strand): 5'-GCATTGCCCTCGATGTTCCCATAGGTGACGGTGTGGGTTGAGATGTCAGAGACATCGGAG[C>T]GGATCAAGTCGTCGTGGCCACTGTAGCGGTCGCTCTTGAAGGAGAATTTGCCGTACAGGT-3'
Protein context (NP_000825.2, residues 1047-1067): DRYSGHDDLI[Arg1057His]SDVSDISTHT

ClinVar aggregate classification (germline): Conflicting classifications of pathogenicity. Review status: criteria provided, conflicting classifications (1 of 4 stars). 2 submissions from 2 submitters: Uncertain significance (1); Benign (1). Last evaluated 2024-09-09.

Conditions:
Intellectual developmental disorder, autosomal dominant 6, with or without seizures. Also called: GRIN2B-related developmental delay, intellectual disability and autism spectrum disorder; Intellectual disability, autosomal dominant 6. Identifiers: Orphanet 589547, MedGen C3151411, MONDO:0013509, OMIM 613970.
Developmental and epileptic encephalopathy, 27 (DEE27). Also called: Epileptic encephalopathy, early infantile, 27; GRIN2B-Related Neurodevelopmental Disorder. Identifiers: Orphanet 3451, MedGen C4015316, MONDO:0014505, OMIM 616139.

Allele frequency attached by ClinVar (database versions not stated): gnomAD 0.00001; ExAC 0.00001; gnomAD exomes below 0.00001; TOPMed 0.00001.
gnomAD v4.1: 4 of 1,614,048 alleles (0.00025%); highest among the groups gnomAD compares: Non-Finnish European, 0.00034%; no homozygotes.

Submissions (2):

Labcorp Genetics (formerly Invitae), Labcorp
Classification: Benign for Developmental and epileptic encephalopathy, 27; Intellectual developmental disorder, autosomal dominant 6, with or without seizures. Last evaluated: 2024-09-09. Review status: criteria provided, single submitter. Criteria: Invitae Variant Classification Sherloc (09022015). Collection method: clinical testing. Allele origin: germline.

GeneDx
Classification: Uncertain significance. Last evaluated: 2017-06-29. Review status: criteria provided, single submitter. Criteria: GeneDx Variant Classification (06012015). Collection method: clinical testing. Allele origin: germline. Affected: yes.
Comment: A variant of uncertain significance has been identified in the GRIN2B gene. The R1057H variant has not been published as a pathogenic variant, nor has it been reported as a benign variant to our knowledge. The R1057H variant is not observed in large population cohorts (Lek et al., 2016; 1000 Genomes Consortium et al., 2015; Exome Variant Server). This substitution occurs at a position that is conserved across species. However, the R1057H variant is a conservative amino acid substitution, which is not likely to impact secondary protein structure as these residues share similar properties. In silico analysis is inconsistent in its predictions as to whether or not the variant is damaging to the protein structure/function. Therefore, based on the currently available information, it is unclear whether this variant is a pathogenic variant or a rare benign variant.